The following is an entry in ClinVar:

NC_000007.13:g.(?_146740979)_(146829621_?)del

Gene: CNTNAP2 (contactin associated protein 2; plus strand). Cytogenetic location: 7q35.
Variant type: Deletion.
Identifiers: ClinVar variation 1459759 (VCV001459759.9).

ClinVar aggregate classification (germline): Pathogenic (1 of 4 stars; one submission).

Conditions:
Cortical dysplasia-focal epilepsy syndrome (PTHSL1). Also called: Pitt-Hopkins-like syndrome 1. Identifiers: Orphanet 163681, Orphanet 221150, MedGen C2750246, MONDO:0012400, OMIM 610042.

Submission:

Labcorp Genetics (formerly Invitae), Labcorp
Classification: Pathogenic for Cortical dysplasia-focal epilepsy syndrome. Last evaluated: 2023-02-26. Review status: criteria provided, single submitter. Criteria: Invitae Variant Classification Sherloc (09022015). Collection method: clinical testing. Allele origin: germline.
Comment: For these reasons, this variant has been classified as Pathogenic. This variant is a gross deletion of the genomic region encompassing exon(s) 4-8 of the CNTNAP2 gene. This deletion is out-of-frame, and is expected to create a premature termination codon and result in an absent or disrupted protein product. Loss-of-function variants in CNTNAP2 are known to be pathogenic (PMID: 19896112, 21827697, 25045150, 26843181, 27439707). This variant has not been reported in the literature in individuals affected with CNTNAP2-related conditions.

Literature cited by the submitters: PubMed 19896112; PubMed 21827697; PubMed 25045150; PubMed 26843181; PubMed 27439707.